The following is an entry in ClinVar:

ClinVar aggregate classification (germline): Conflicting classifications of pathogenicity. Review status: criteria provided, conflicting classifications (1 of 4 stars). 5 submissions from 5 submitters: Uncertain significance (4); Likely benign (1). Last evaluated 2026-01-11.

Conditions:
Familial cancer of breast. Also called: BREAST CANCER, FAMILIAL; hereditary breast carcinoma; Hereditary breast cancer. Identifiers: Orphanet 227535, MedGen C0346153, MONDO:0016419, OMIM 114480. Disease mechanism: loss of function.
Hereditary cancer-predisposing syndrome. Also called: Neoplastic Syndromes, Hereditary; Tumor predisposition; Hereditary Cancer Syndrome; Hereditary neoplastic syndrome. Identifiers: Orphanet 140162, MedGen C0027672, MeSH D009386, MONDO:0015356.

Allele frequency attached by ClinVar (database versions not stated): gnomAD exomes 0.00001; TOPMed 0.00001; ExAC 0.00001; gnomAD 0.00002.
gnomAD v4.1: 6 of 1,613,362 alleles (0.00037%); highest among the groups gnomAD compares: African/African-American, 0.008%; no homozygotes.

Submissions (5):

Labcorp Genetics (formerly Invitae), Labcorp
Classification: Uncertain significance for Familial cancer of breast. Last evaluated: 2026-01-11. Review status: criteria provided, single submitter. Criteria: Invitae Variant Classification Sherloc (09022015). Collection method: clinical testing. Allele origin: germline.
Comment: This sequence change replaces glutamic acid, which is acidic and polar, with aspartic acid, which is acidic and polar, at codon 8 of the CHEK2 protein (p.Glu8Asp). This variant is present in population databases (rs780920036, gnomAD 0.01%). This variant has not been reported in the literature in individuals affected with CHEK2-related conditions. ClinVar contains an entry for this variant (Variation ID: 231544). An algorithm developed to predict the effect of missense changes on protein structure and function outputs the following: PolyPhen-2: "Benign". The aspartic acid amino acid residue is found in multiple mammalian species, which suggests that this missense change does not adversely affect protein function. In summary, the available evidence is currently insufficient to determine the role of this variant in disease. Therefore, it has been classified as a Variant of Uncertain Significance.

Color Diagnostics, LLC DBA Color Health
Classification: Likely benign for Hereditary cancer-predisposing syndrome. Last evaluated: 2025-08-11. Review status: criteria provided, single submitter. Criteria: ACMG Guidelines, 2015. Collection method: clinical testing. Allele origin: germline.

Ambry Genetics
Classification: Uncertain significance for Hereditary cancer-predisposing syndrome. Last evaluated: 2024-07-12. Review status: criteria provided, single submitter. Criteria: Ambry Variant Classification Scheme 2023. Collection method: clinical testing. Allele origin: germline.
Comment: The p.E8D variant (also known as c.24G>T), located in coding exon 1 of the CHEK2 gene, results from a G to T substitution at nucleotide position 24. The glutamic acid at codon 8 is replaced by aspartic acid, an amino acid with highly similar properties. This alteration was reported as functional in a study assessing CHEK2-complementation through quantification of KAP1 phosphorylation and CHK2 autophosphorylation in human RPE1-CHEK2-knockout cells (Stolarova L et al. Clin Cancer Res, 2023 Aug;29:3037-3050). This amino acid position is not well conserved in available vertebrate species. In addition, this alteration is predicted to be tolerated by in silico analysis. Based on the available evidence, the clinical significance of this variant remains unclear.

Baylor Genetics
Classification: Uncertain significance for Familial cancer of breast. Last evaluated: 2024-01-26. Review status: criteria provided, single submitter. Criteria: ACMG Guidelines, 2015. Collection method: clinical testing. Allele origin: unknown.

GeneDx
Classification: Uncertain significance. Last evaluated: 2023-06-29. Review status: criteria provided, single submitter. Criteria: GeneDx Variant Classification Process June 2021. Collection method: clinical testing. Allele origin: germline. Affected: yes.
Comment: Not observed at significant frequency in large population cohorts (gnomAD); In silico analysis supports that this missense variant does not alter protein structure/function; Has not been previously published as pathogenic or benign to our knowledge

Literature cited by the submitters: PubMed 37449874 (cited by Ambry Genetics).

NM_007194.4(CHEK2):c.24G>T (p.Glu8Asp)

Gene: CHEK2 (checkpoint kinase 2; minus strand). Cytogenetic location: 22q12.1.
Variant type: single nucleotide variant.
Coding change: c.24G>T on transcript NM_007194.4 (MANE Select); coding-DNA position 24, G replaced by T.
Protein change: p.Glu8Asp; replaces glutamic acid 8 with aspartic acid.
Molecular consequence: missense variant.
Genome position (GRCh38, 1-based): chr22:28,734,698, C>A on the plus strand (G>T on the coding strand, the complement: CHEK2 is on the minus strand). VCF-style: chr22-28734698-C-A. GRCh37 (hg19) VCF-style: chr22-29130686-C-A.
Other names: c.24G>T, p.Glu8Asp (NM_001005735.3, NM_001349956.3, NM_145862.3); c.-754G>T (NM_001257387.3); short protein forms E8D.
Identifiers: ClinVar variation 231544 (VCV000231544.18), dbSNP rs780920036, ClinGen allele CA10168084.